The following is an entry in ClinVar:

ClinVar aggregate classification (germline): Pathogenic (1 of 4 stars; one submission).

Conditions:
Hyperekplexia 3 (HKPX3). Also called: HYPEREKPLEXIA 3, AUTOSOMAL RECESSIVE; HYPEREKPLEXIA 3, AUTOSOMAL DOMINANT. Identifiers: Orphanet 3197, MedGen C3553288, MONDO:0013827, OMIM 614618.

Submission:

Labcorp Genetics (formerly Invitae), Labcorp
Classification: Pathogenic for Hyperekplexia 3. Last evaluated: 2022-07-12. Review status: criteria provided, single submitter. Criteria: Invitae Variant Classification Sherloc (09022015). Collection method: clinical testing. Allele origin: germline.
Comment: For these reasons, this variant has been classified as Pathogenic. This variant has not been reported in the literature in individuals affected with SLC6A5-related conditions. This variant is not present in population databases (gnomAD no frequency). This sequence change creates a premature translational stop signal (p.Gln257*) in the SLC6A5 gene. It is expected to result in an absent or disrupted protein product. Loss-of-function variants in SLC6A5 are known to be pathogenic (PMID: 14622583, 16751771, 22700964).

Literature cited by the submitters: PubMed 14622583; PubMed 16751771; PubMed 22700964.

NM_004211.5(SLC6A5):c.769C>T (p.Gln257Ter)

Gene: SLC6A5 (solute carrier family 6 member 5; plus strand). Cytogenetic location: 11p15.1.
Variant type: single nucleotide variant.
Coding change: c.769C>T on transcript NM_004211.5 (MANE Select); coding-DNA position 769, C replaced by T.
Protein change: p.Gln257Ter; replaces glutamine 257 with a stop codon.
Molecular consequence: nonsense.
Genome position (GRCh38, 1-based): chr11:20,607,096, C>T. VCF-style: chr11-20607096-C-T. GRCh37 (hg19) VCF-style: chr11-20628642-C-T.
Other names: c.67C>T, p.Gln23Ter (NM_001318369.2); short protein forms Q257*, Q23*.
Identifiers: ClinVar variation 2018966 (VCV002018966.4), dbSNP rs2494105360, ClinGen allele CA379913822.